The following is an entry in ClinVar:

NM_031157.4(HNRNPA1):c.1106G>A (p.Gly369Asp)

Gene: HNRNPA1 (heterogeneous nuclear ribonucleoprotein A1; plus strand). Cytogenetic location: 12q13.13.
Variant type: single nucleotide variant.
Coding change: c.1106G>A on transcript NM_031157.4 (MANE Select); coding-DNA position 1106, G replaced by A.
Protein change: p.Gly369Asp; replaces glycine 369 with aspartic acid.
Molecular consequence: missense variant. On other transcripts: non-coding transcript variant (1).
Genome position (GRCh38, 1-based): chr12:54,284,300, G>A. VCF-style: chr12-54284300-G-A. GRCh37 (hg19) VCF-style: chr12-54678084-G-A.
Other names: c.950G>A, p.Gly317Asp (NM_002136.4); short protein forms G369D, G317D.
Identifiers: ClinVar variation 135613 (VCV000135613.2), dbSNP rs483353042, ClinGen allele CA163098.

ClinVar aggregate classification (germline): Likely benign (0 of 4 stars; one submission).

Conditions:
Chronic progressive multiple sclerosis. Identifiers: MedGen C0393665, MONDO:0005284.

Submission:

Demyelinating Disease Laboratories, VA Medical Center and University of Tennessee
Classification: Likely benign. Review status: no assertion criteria provided. Collection method: not provided. Allele origin: somatic.
ClinVar note: Converted during submission from probable-non-pathogenic to Likely benign.